The following is an entry in ClinVar:

ClinVar aggregate classification (germline): Likely benign. Review status: criteria provided, multiple submitters, no conflicts (2 of 4 stars). 3 submissions from 3 submitters: Likely benign (3). Last evaluated 2025-10-21.

Conditions:
XYLT2-related disorder. Also called: XYLT2-related condition.

Allele frequency attached by ClinVar (database versions not stated): gnomAD exomes 0.00005 and 0.00011; ExAC 0.00008; ESP Exome Variant Server 0.00008; 1000 Genomes Project 30x 0.00016; TOPMed 0.00019; 1000 Genomes Project 0.00020; gnomAD 0.00022 and 0.00023.
gnomAD v4.1: 120 of 1,613,674 alleles (0.0074%); highest among the groups gnomAD compares: Middle Eastern, 0.15%; 1 homozygote.

Submissions (3):

Labcorp Genetics (formerly Invitae), Labcorp
Classification: Likely benign. Last evaluated: 2025-10-21. Review status: criteria provided, single submitter. Criteria: Invitae Variant Classification Sherloc (09022015). Collection method: clinical testing. Allele origin: germline.

PreventionGenetics, part of Exact Sciences
Classification: Likely benign for XYLT2-related condition. Last evaluated: 2025-02-06. Review status: criteria provided, single submitter. Criteria: ACMG Guidelines, 2015. Collection method: clinical testing. Allele origin: germline.
Comment: This variant is classified as likely benign based on ACMG/AMP sequence variant interpretation guidelines (Richards et al. 2015 PMID: 25741868, with internal and published modifications).

Blueprint Genetics
Classification: Likely benign. Last evaluated: 2024-11-26. Review status: criteria provided, single submitter. Criteria: ACMG Guidelines, 2015. Collection method: clinical testing. Allele origin: germline.

NM_022167.4(XYLT2):c.2022C>T (p.Ala674=)

Gene: XYLT2 (xylosyltransferase 2; plus strand). Cytogenetic location: 17q21.33.
Variant type: single nucleotide variant.
Coding change: c.2022C>T on transcript NM_022167.4 (MANE Select); coding-DNA position 2022, C replaced by T.
Protein change: p.Ala674=; no amino-acid change (alanine 674 retained).
Molecular consequence: synonymous variant.
Genome position (GRCh38, 1-based): chr17:50,358,287, C>T. VCF-style: chr17-50358287-C-T. GRCh37 (hg19) VCF-style: chr17-48435648-C-T.
Identifiers: ClinVar variation 708901 (VCV000708901.11), dbSNP rs376756069, ClinGen allele CA8646641.
Genomic context (GRCh38, chr17:50,358,287, plus strand): 5'-CAAAGAGCGTCTTTTCCGGAACTTTGGGGGGTTACTGGGGCCGCTGGACGAGCCTGTGGC[C>T]GTGCAGCGCTGGGCCCGGGGCCCCAACCTCACAGCCACAGTGGTCTGGATCGACCCAACC-3'
Protein context (NP_071450.2, residues 664-684): GLLGPLDEPV[Ala674=]VQRWARGPNL